The following is an entry in ClinVar:

NM_004304.5(ALK):c.2699C>G (p.Ala900Gly)

Gene: ALK (ALK receptor tyrosine kinase; minus strand). Cytogenetic location: 2p23.2.
Variant type: single nucleotide variant.
Coding change: c.2699C>G on transcript NM_004304.5 (MANE Select); coding-DNA position 2699, C replaced by G.
Protein change: p.Ala900Gly; replaces alanine 900 with glycine.
Molecular consequence: missense variant.
Genome position (GRCh38, 1-based): chr2:29,229,000, G>C on the plus strand (C>G on the coding strand, the complement: ALK is on the minus strand). VCF-style: chr2-29229000-G-C. GRCh37 (hg19) VCF-style: chr2-29451866-G-C.
Other names: short protein forms A900G.
Identifiers: ClinVar variation 2447100 (VCV002447100.3), dbSNP rs2148180643, ClinGen allele CA346469913.

ClinVar aggregate classification (germline): Uncertain significance (1 of 4 stars; one submission).

Conditions:
Hereditary cancer-predisposing syndrome. Also called: Neoplastic Syndromes, Hereditary; Hereditary Cancer Syndrome; Tumor predisposition; Hereditary neoplastic syndrome. Identifiers: Orphanet 140162, MedGen C0027672, MeSH D009386, MONDO:0015356.

gnomAD v4.1: 3 of 1,612,204 alleles (0.00019%); highest among the groups gnomAD compares: Non-Finnish European, 0.00025%; no homozygotes.

Submission:

Ambry Genetics
Classification: Uncertain significance for Hereditary cancer-predisposing syndrome. Last evaluated: 2025-06-30. Review status: criteria provided, single submitter. Criteria: Ambry Variant Classification Scheme 2023. Collection method: clinical testing. Allele origin: germline.
Comment: The p.A900G variant (also known as c.2699C>G), located in coding exon 16 of the ALK gene, results from a C to G substitution at nucleotide position 2699. The alanine at codon 900 is replaced by glycine, an amino acid with similar properties. This amino acid position is conserved. In addition, this alteration is predicted to be tolerated by in silico analysis. Since supporting evidence is limited at this time, the clinical significance of this alteration remains unclear.